The following is an entry in ClinVar:

ClinVar aggregate classification (germline): Uncertain significance (1 of 4 stars; one submission).

Conditions:
Hypertrophic cardiomyopathy. Also called: HYPERTROPHIC MYOCARDIOPATHY. Identifiers: Orphanet 217569, MedGen C0007194, MeSH D002312, MONDO:0005045, HP:0001639.

Submission:

Labcorp Genetics (formerly Invitae), Labcorp
Classification: Uncertain significance for Hypertrophic cardiomyopathy. Last evaluated: 2020-02-19. Review status: criteria provided, single submitter. Criteria: Invitae Variant Classification Sherloc (09022015). Collection method: clinical testing. Allele origin: germline.
Comment: In summary, the available evidence is currently insufficient to determine the role of this variant in disease. Therefore, it has been classified as a Variant of Uncertain Significance. This variant has not been reported in the literature in individuals with MYOZ2-related conditions. This variant is not present in population databases (ExAC no frequency). This sequence change replaces aspartic acid with asparagine at codon 254 of the MYOZ2 protein (p.Asp254Asn). The aspartic acid residue is weakly conserved and there is a small physicochemical difference between aspartic acid and asparagine.

NM_016599.5(MYOZ2):c.760G>A (p.Asp254Asn)

Gene: MYOZ2 (myozenin 2; plus strand). Cytogenetic location: 4q26.
Variant type: single nucleotide variant.
Coding change: c.760G>A on transcript NM_016599.5 (MANE Select); coding-DNA position 760, G replaced by A.
Protein change: p.Asp254Asn; replaces aspartic acid 254 with asparagine.
Molecular consequence: missense variant.
Genome position (GRCh38, 1-based): chr4:119,186,165, G>A. VCF-style: chr4-119186165-G-A. GRCh37 (hg19) VCF-style: chr4-120107320-G-A.
Other names: short protein forms D254N.
Identifiers: ClinVar variation 1035871 (VCV001035871.5), dbSNP rs1742290113, ClinGen allele CA358202448.